The following is an entry in ClinVar:

NM_000142.5(FGFR3):c.940G>C (p.Ala314Pro)

Gene: FGFR3 (fibroblast growth factor receptor 3; plus strand). Cytogenetic location: 4p16.3.
Variant type: single nucleotide variant.
Coding change: c.940G>C on transcript NM_000142.5 (MANE Select); coding-DNA position 940, G replaced by C.
Protein change: p.Ala314Pro; replaces alanine 314 with proline.
Molecular consequence: missense variant. On other transcripts: non-coding transcript variant (1), intron variant (2).
Genome position (GRCh38, 1-based): chr4:1,803,701, G>C. VCF-style: chr4-1803701-G-C. GRCh37 (hg19) VCF-style: chr4-1805428-G-C.
Other names: c.940G>C, p.Ala314Pro (NM_001354809.2, NM_001354810.2); c.1082-629G>C (NM_001163213.2); c.931-1123G>C (NM_022965.4); short protein forms A314P.
Identifiers: ClinVar variation 4887128 (VCV004887128.1).

ClinVar aggregate classification (germline): Uncertain significance (1 of 4 stars; one submission).

gnomAD v4.1: 1 of 1,613,506 alleles (0.000062%); highest among the groups gnomAD compares: East Asian, 0.0022%; no homozygotes.

Submission:

Women's Health and Genetics/Laboratory Corporation of America, LabCorp
Classification: Uncertain significance. Last evaluated: 2026-06-18. Review status: criteria provided, single submitter. Criteria: LabCorp Variant Classification Summary - May 2015. Collection method: clinical testing. Allele origin: germline.
Comment: Variant summary: FGFR3 c.940G>C (p.Ala314Pro) results in a non-conservative amino acid change in the encoded protein sequence. Algorithms developed to predict the effect of missense changes on protein structure and function are either unavailable or do not agree on the potential impact of this missense change. The variant was absent in 249942 control chromosomes. The available data on variant occurrences in the general population are insufficient to allow any conclusion about variant significance. To our knowledge, no occurrence of c.940G>C in individuals affected with FGFR3-related conditions and no experimental evidence demonstrating its impact on protein function have been reported. No submitters have cited clinical-significance assessments for this variant to ClinVar. Based on the evidence outlined above, the variant was classified as uncertain significance.